The following is an entry in ClinVar:

ClinVar aggregate classification (germline): Pathogenic (1 of 4 stars; one submission).

Conditions:
Marfan syndrome (MFS). Also called: MARFAN SYNDROME, TYPE I; Marfan syndrome type 1; Marfan's syndrome; Marfan syndrome, classic; FBN1-Related Marfan Syndrome. Identifiers: Orphanet 284963, Orphanet 558, MedGen C0024796, MONDO:0007947, OMIM 154700.
Familial thoracic aortic aneurysm and aortic dissection (TAAD). Also called: Thoracic aortic aneurysms and dissections. Identifiers: Orphanet 91387, MedGen C4707243, MONDO:0019625.

Submission:

Labcorp Genetics (formerly Invitae), Labcorp
Classification: Pathogenic for Marfan syndrome; Familial thoracic aortic aneurysm and aortic dissection. Last evaluated: 2024-05-17. Review status: criteria provided, single submitter. Criteria: Invitae Variant Classification Sherloc (09022015). Collection method: clinical testing. Allele origin: germline.
Comment: This sequence change affects an acceptor splice site in intron 2 of the FBN1 gene. It is expected to disrupt RNA splicing. Variants that disrupt the donor or acceptor splice site typically lead to a loss of protein function (PMID: 16199547), and loss-of-function variants in FBN1 are known to be pathogenic (PMID: 17657824, 19293843). This variant is not present in population databases (gnomAD no frequency). Disruption of this splice site has been observed in individuals with clinical features of Marfan syndrome (PMID: 12402346, 27906200; Invitae). This variant is also known as IVS1-1G>A. Algorithms developed to predict the effect of sequence changes on RNA splicing suggest that this variant may disrupt the consensus splice site. For these reasons, this variant has been classified as Pathogenic.

Literature cited by the submitters: PubMed 16199547; PubMed 17657824; PubMed 19293843; PubMed 12402346; PubMed 27906200.

NM_000138.5(FBN1):c.165-1G>T

Gene: FBN1 (fibrillin 1; minus strand). Cytogenetic location: 15q21.1.
Variant type: single nucleotide variant.
Coding change: c.165-1G>T on transcript NM_000138.5 (MANE Select); the canonical splice acceptor site of the intron before coding-DNA position 165, G replaced by T.
Molecular consequence: splice acceptor variant.
Genome position (GRCh38, 1-based): chr15:48,613,093, C>A on the plus strand (G>T on the coding strand, the complement: FBN1 is on the minus strand). VCF-style: chr15-48613093-C-A. GRCh37 (hg19) VCF-style: chr15-48905290-C-A.
Other names: c.165-1G>T (NM_001406716.1, NM_001406717.1).
Identifiers: ClinVar variation 3759303 (VCV003759303.2).
Genomic context (GRCh38, chr15:48,613,093, plus strand): 5'-GGTAAGGTTTTCCATCCAGGGCAACAGTAAGCATTATAACGTGATCCACAGACATTGGGT[C>A]TAAAACAAAAACAGAAGAATTCCATACTTTAAAAAAAAGAAGAAGAGGAAGAGATGGCCA-3'